The following is an entry in ClinVar:

ClinVar aggregate classification (germline): Conflicting classifications of pathogenicity. Review status: criteria provided, conflicting classifications (1 of 4 stars). 2 submissions from 2 submitters: Likely pathogenic (1); Uncertain significance (1). Last evaluated 2025-05-02.

Conditions:
Neurofibromatosis, type 1 (NF1). Also called: VON RECKLINGHAUSEN DISEASE; NEUROFIBROMATOSIS, TYPE I, SOMATIC; Peripheral type neurofibromatosis; Neurofibromatosis, type I. Identifiers: Orphanet 636, MedGen C0027831, MONDO:0018975, OMIM 162200. Disease mechanism: loss of function.
NF1-related disorder. Also called: NF1-related condition. Identifiers: MedGen CN379171.

Submissions (2):

Greenwood Genetic Center Diagnostic Laboratories, Greenwood Genetic Center
Classification: Likely pathogenic for NF1-related disorder. Last evaluated: 2025-05-02. Review status: criteria provided, single submitter. Criteria: ACMG Guidelines, 2015. Collection method: clinical testing. Allele origin: germline. Affected: yes.
Comment: PM1, PM2, PM5_Supporting, PP2, PP3

Labcorp Genetics (formerly Invitae), Labcorp
Classification: Uncertain significance for Neurofibromatosis, type 1. Last evaluated: 2020-01-06. Review status: criteria provided, single submitter. Criteria: Invitae Variant Classification Sherloc (09022015). Collection method: clinical testing. Allele origin: germline.
Comment: In summary, the available evidence is currently insufficient to determine the role of this variant in disease. Therefore, it has been classified as a Variant of Uncertain Significance. Algorithms developed to predict the effect of missense changes on protein structure and function are either unavailable or do not agree on the potential impact of this missense change (SIFT: "Deleterious"; PolyPhen-2: "Probably Damaging"; Align-GVGD: "Class C0"). This variant has not been reported in the literature in individuals with NF1-related conditions. This variant is not present in population databases (ExAC no frequency). This sequence change replaces alanine with proline at codon 1148 of the NF1 protein (p.Ala1148Pro). The alanine residue is moderately conserved and there is a small physicochemical difference between alanine and proline.

NM_001042492.3(NF1):c.3442G>C (p.Ala1148Pro)

Gene: NF1 (neurofibromin 1; plus strand). Cytogenetic location: 17q11.2.
Variant type: single nucleotide variant.
Coding change: c.3442G>C on transcript NM_001042492.3 (MANE Select); coding-DNA position 3442, G replaced by C.
Protein change: p.Ala1148Pro; replaces alanine 1148 with proline.
Molecular consequence: missense variant.
Genome position (GRCh38, 1-based): chr17:31,232,827, G>C. VCF-style: chr17-31232827-G-C. GRCh37 (hg19) VCF-style: chr17-29559845-G-C.
Other names: c.3442G>C, p.Ala1148Pro (NM_000267.4); short protein forms A1148P.
Identifiers: ClinVar variation 1045831 (VCV001045831.6), dbSNP rs2067137289, ClinGen allele CA398989288.